The following is an entry in ClinVar:

NM_022464.5(SIL1):c.554T>C (p.Met185Thr)

Gene: SIL1 (SIL1 nucleotide exchange factor; minus strand). Cytogenetic location: 5q31.2.
Variant type: single nucleotide variant.
Coding change: c.554T>C on transcript NM_022464.5 (MANE Select); coding-DNA position 554, T replaced by C.
Protein change: p.Met185Thr; replaces methionine 185 with threonine.
Molecular consequence: missense variant.
Genome position (GRCh38, 1-based): chr5:139,026,892, A>G on the plus strand (T>C on the coding strand, the complement: SIL1 is on the minus strand). VCF-style: chr5-139026892-A-G. GRCh37 (hg19) VCF-style: chr5-138362581-A-G.
Other names: c.554T>C, p.Met185Thr (NM_001037633.2); short protein forms M185T.
Identifiers: ClinVar variation 2077130 (VCV002077130.4), dbSNP rs1442191306, ClinGen allele CA361135027.
Genomic context (GRCh38, chr5:139,026,892, plus strand): 5'-GCAGCAATCTTCTCTTCCAAACTGGAGCTGGAACTATTGAACTTGTTGATCAGCCGTACC[A>G]TGATCTGCATGTCAGTCTCAATGACAACATTCAGCTCATCAAAGTCTTTCTTCAGTTCCT-3'
Protein context (NP_071909.1, residues 175-195): NVVIETDMQI[Met185Thr]VRLINKFNSS

ClinVar aggregate classification (germline): Uncertain significance (1 of 4 stars; one submission).

Conditions:
Marinesco-Sjögren syndrome (MSS). Also called: Marinesco-Sjogren Syndrome; Marinesco-SjÃ¶gren syndrome. Identifiers: Orphanet 559, MedGen C0024814, MONDO:0009567, OMIM 248800.

Allele frequency attached by ClinVar (database versions not stated): TOPMed below 0.00001.

Submission:

Labcorp Genetics (formerly Invitae), Labcorp
Classification: Uncertain significance for Marinesco-Sjögren syndrome. Last evaluated: 2022-03-04. Review status: criteria provided, single submitter. Criteria: Invitae Variant Classification Sherloc (09022015). Collection method: clinical testing. Allele origin: germline.
Comment: This sequence change replaces methionine, which is neutral and non-polar, with threonine, which is neutral and polar, at codon 185 of the SIL1 protein (p.Met185Thr). In summary, the available evidence is currently insufficient to determine the role of this variant in disease. Therefore, it has been classified as a Variant of Uncertain Significance. Algorithms developed to predict the effect of missense changes on protein structure and function are either unavailable or do not agree on the potential impact of this missense change (SIFT: "Deleterious"; PolyPhen-2: "Probably Damaging"; Align-GVGD: "Class C0"). This variant has not been reported in the literature in individuals affected with SIL1-related conditions. This variant is present in population databases (no rsID available, gnomAD 0.0009%).